The following is an entry in ClinVar:

ClinVar aggregate classification (germline): Conflicting classifications of pathogenicity. Review status: criteria provided, conflicting classifications (1 of 4 stars). 2 submissions from 2 submitters: Uncertain significance (1); Likely benign (1). Last evaluated 2023-08-22.

Conditions:
CHD4-related disorder. Also called: CHD4-related condition.
Cleft palate. Identifiers: Orphanet 2014, MedGen C2981150, MONDO:0016064, HP:0000175.

Allele frequency attached by ClinVar (database versions not stated): TOPMed below 0.00001; ExAC 0.00001; gnomAD exomes 0.00001.
gnomAD v4.1: 17 of 1,613,958 alleles (0.0011%); highest among the groups gnomAD compares: Non-Finnish European, 0.0013%; no homozygotes.

Submissions (2):

PreventionGenetics, part of Exact Sciences
Classification: Uncertain significance for CHD4-related condition. Last evaluated: 2023-08-22. Review status: criteria provided, single submitter. Criteria: ACMG Guidelines, 2015. Collection method: clinical testing. Allele origin: germline.
Comment: The CHD4 c.247G>A variant is predicted to result in the amino acid substitution p.Gly83Arg. To our knowledge, this variant has not been reported in the literature. This variant is reported in 0.0018% of alleles in individuals of European (Non-Finnish) descent in gnomAD. At this time, the clinical significance of this variant is uncertain due to the absence of conclusive functional and genetic evidence.

Cambridge Genomics Laboratory, East Genomic Laboratory Hub, NHS Genomic Medicine Service
Classification: Likely benign for Cleft palate. Last evaluated: 2020-01-10. Review status: criteria provided, single submitter. Criteria: ACGS Best Practice Guidelines for Variant Classification in Rare Disease 2020. Collection method: clinical testing. Allele origin: germline. Affected: yes. Observed: 1 variant allele.

NM_001273.5(CHD4):c.247G>A (p.Gly83Arg)

Gene: CHD4 (chromodomain helicase DNA binding protein 4; minus strand). Cytogenetic location: 12p13.31.
Variant type: single nucleotide variant.
Coding change: c.247G>A on transcript NM_001273.5 (MANE Select); coding-DNA position 247, G replaced by A.
Protein change: p.Gly83Arg; replaces glycine 83 with arginine.
Molecular consequence: missense variant.
Genome position (GRCh38, 1-based): chr12:6,602,151, C>T on the plus strand (G>A on the coding strand, the complement: CHD4 is on the minus strand). VCF-style: chr12-6602151-C-T. GRCh37 (hg19) VCF-style: chr12-6711317-C-T.
Other names: c.226G>A, p.Gly76Arg (NM_001297553.2); c.247G>A, p.Gly83Arg (NM_001363606.2); short protein forms G76R, G83R.
Identifiers: ClinVar variation 2628931 (VCV002628931.2), dbSNP rs766680001, ClinGen allele CA6412561.